The following is an entry in ClinVar:

ClinVar aggregate classification (germline): Likely benign (0 of 4 stars; one submission).

Conditions:
PEAK1-related disorder. Also called: PEAK1-related condition.

gnomAD v4.1: 4 of 1,614,008 alleles (0.00025%); highest among the groups gnomAD compares: East Asian, 0.0089%; no homozygotes.

Submission:

PreventionGenetics, part of Exact Sciences
Classification: Likely benign for PEAK1-related condition. Last evaluated: 2024-03-14. Review status: no assertion criteria provided. Collection method: clinical testing. Allele origin: germline.
Comment: This variant is classified as likely benign based on ACMG/AMP sequence variant interpretation guidelines (Richards et al. 2015 PMID: 25741868, with internal and published modifications).

NM_001385026.1(PEAK1):c.1935G>A (p.Leu645=)

Genes: PEAK1 (pseudopodium enriched atypical kinase 1; minus strand), LOC130057657 (ATAC-STARR-seq lymphoblastoid active region 9891; plus strand). Cytogenetic location: 15q24.3.
Variant type: single nucleotide variant.
Coding change: c.1935G>A on transcript NM_001385026.1 (MANE Select); coding-DNA position 1935, G replaced by A.
Protein change: p.Leu645=; no amino-acid change (leucine 645 retained).
Molecular consequence: synonymous variant.
Genome position (GRCh38, 1-based): chr15:77,179,992, C>T on the plus strand (G>A on the coding strand, the complement: PEAK1 is on the minus strand). VCF-style: chr15-77179992-C-T. GRCh37 (hg19) VCF-style: chr15-77472334-C-T.
Other names: c.1935G>A, p.Leu645= (NM_001385027.1, NM_001387085.1, NM_001387086.1 and 1 more transcripts).
Identifiers: ClinVar variation 3354269 (VCV003354269.1).